The following is an entry in ClinVar:

ClinVar aggregate classification (germline): Likely pathogenic (1 of 4 stars; one submission).

Conditions:
Duchenne muscular dystrophy (DMD). Also called: MUSCULAR DYSTROPHY, PSEUDOHYPERTROPHIC PROGRESSIVE, DUCHENNE TYPE; Duchenne Muscular Dystrophy (DMD). Identifiers: Orphanet 98896, MedGen C0013264, MONDO:0010679, OMIM 310200.

Submission:

Labcorp Genetics (formerly Invitae), Labcorp
Classification: Likely pathogenic for Duchenne muscular dystrophy. Last evaluated: 2021-07-01. Review status: criteria provided, single submitter. Criteria: Invitae Variant Classification Sherloc (09022015). Collection method: clinical testing. Allele origin: germline.
Comment: Algorithms developed to predict the effect of sequence changes on RNA splicing suggest that this variant may disrupt the consensus splice site. In summary, the currently available evidence indicates that the variant is pathogenic, but additional data are needed to prove that conclusively. Therefore, this variant has been classified as Likely Pathogenic. ClinVar contains an entry for this variant (Variation ID: 1066797). Disruption of this splice site has been observed in individual(s) with clinical features of dystrophinopathy (Invitae). This variant is not present in population databases (ExAC no frequency). This variant results in the deletion of c.3414_3432+3del of the DMD gene. It is expected to disrupt RNA splicing. Variants that disrupt the donor or acceptor splice site typically lead to a loss of protein function (PMID: 16199547), and loss-of-function variants in DMD are known to be pathogenic (PMID: 16770791, 25007885).

Literature cited by the submitters: PubMed 16199547; PubMed 16770791; PubMed 25007885.

NM_004006.3(DMD):c.3414_3432+3del

Gene: DMD (dystrophin; minus strand). Cytogenetic location: Xp21.1.
Variant type: Deletion.
Coding change: c.3414_3432+3del on transcript NM_004006.3 (MANE Select); coding-DNA position 3414 through 3 bases into the intron after coding-DNA position 3432, 22 bases deleted (GGATCACATGTGCCAACAGGTA).
Molecular consequence: splice donor variant.
Genome position (GRCh38, 1-based): chrX:32,463,436-32,463,457, TACCTGTTGGCACATGTGATCC deleted on the plus strand (GGATCACATGTGCCAACAGGTA on the coding strand, the reverse complement: DMD is on the minus strand). VCF-style (leftmost placement, unchanged base first): chrX-32463435-ATACCTGTTGGCACATGTGATCC-A. GRCh37 (hg19) VCF-style: chrX-32481552-ATACCTGTTGGCACATGTGATCC-A.
Other names: c.3390_3408+3del (NM_000109.4); c.3402_3420+3del (NM_004009.3); c.3045_3063+3del (NM_004010.3).
Identifiers: ClinVar variation 1066797 (VCV001066797.7), dbSNP rs2148418008, ClinGen allele CA2499226648.